The following is an entry in ClinVar:

ClinVar aggregate classification (germline): Benign/Likely benign. Review status: criteria provided, multiple submitters, no conflicts (2 of 4 stars). 2 submissions from 2 submitters: Benign (1); Likely benign (1). Last evaluated 2025-06-04.

Conditions:
3-hydroxyisobutyryl-CoA hydrolase deficiency. Also called: Reduced circulating 3-hydroxyisobutyryl-CoA hydrolase activity; Deficiency of 3-hydroxyisobutyryl CoA hydrolase; METHACRYLIC ACID TOXICITY; METHACRYLIC ACIDURIA; VALINE METABOLIC DEFECT; HIBCH DEFICIENCY. Identifiers: Orphanet 88639, MedGen C0342738, MONDO:0009603, OMIM 250620, HP:6000215.

Submissions (2):

Labcorp Genetics (formerly Invitae), Labcorp
Classification: Benign for 3-hydroxyisobutyryl-CoA hydrolase deficiency. Last evaluated: 2025-06-04. Review status: criteria provided, single submitter. Criteria: Invitae Variant Classification Sherloc (09022015). Collection method: clinical testing. Allele origin: germline.

GeneDx
Classification: Likely benign. Last evaluated: 2016-12-16. Review status: criteria provided, single submitter. Criteria: GeneDx Variant Classification (06012015). Collection method: clinical testing. Allele origin: germline. Affected: yes.
Comment: This variant is considered likely benign or benign based on one or more of the following criteria: it is a conservative change, it occurs at a poorly conserved position in the protein, it is predicted to be benign by multiple in silico algorithms, and/or has population frequency not consistent with disease.

NM_014362.4(HIBCH):c.35+8AG[2]

Gene: HIBCH (3-hydroxyisobutyryl-CoA hydrolase; minus strand). Cytogenetic location: 2q32.2.
Variant type: Microsatellite.
Coding change: c.35+8AG[2] on transcript NM_014362.4 (MANE Select); two copies in a row of the 2-base unit AG starting at c.35+8; the reference has three copies in a row; one copy, 2 bases deleted.
Molecular consequence: intron variant.
Genome position (GRCh38, 1-based): chr2:190,319,703-190,319,704, CT deleted on the plus strand (AG on the coding strand, the reverse complement: HIBCH is on the minus strand); deleting any 2 consecutive bases within chr2:190,319,703-190,319,709 gives the same sequence; the position shown is the placement nearest the transcript's 3' end. VCF-style (leftmost placement, unchanged base first): chr2-190319702-GCT-G. GRCh37 (hg19) VCF-style: chr2-191184428-GCT-G.
Other names: c.35+12_35+13delAG (NM_014362.3); c.35+8AG[2] (NM_198047.3).
Identifiers: ClinVar variation 422867 (VCV000422867.4), dbSNP rs754126815, ClinGen allele CA2027831.
Genomic context (GRCh38, chr2:190,319,702, plus strand): 5'-CACCCCCGGCCCTTTTCCCACTGTGGCGAGTGCCGCTGAAGAGCCTGCCCTTGGCCCCTC[GCT>G]CTCTCACTCACCTCGACATGAGCCTCCACATCTCGCGCTGCCCCATCGCCAAACACTCCG-3'